The following is an entry in ClinVar:

NM_177438.3(DICER1):c.4891T>G (p.Ser1631Ala)

Gene: DICER1 (dicer 1, ribonuclease III; minus strand). Cytogenetic location: 14q32.13.
Variant type: single nucleotide variant.
Coding change: c.4891T>G on transcript NM_177438.3 (MANE Select); coding-DNA position 4891, T replaced by G.
Protein change: p.Ser1631Ala; replaces serine 1631 with alanine.
Molecular consequence: missense variant.
Genome position (GRCh38, 1-based): chr14:95,096,029, A>C on the plus strand (T>G on the coding strand, the complement: DICER1 is on the minus strand). VCF-style: chr14-95096029-A-C. GRCh37 (hg19) VCF-style: chr14-95562366-A-C.
Other names: c.4891T>G, p.Ser1631Ala (NM_001271282.3, NM_001291628.2, NM_030621.4 and 1 more transcripts); short protein forms S1631A.
Identifiers: ClinVar variation 221072 (VCV000221072.81), dbSNP rs145551486, ClinGen allele CA349417.

ClinVar aggregate classification (germline): Benign/Likely benign. Review status: criteria provided, multiple submitters, no conflicts (2 of 4 stars). 17 submissions from 17 submitters: Benign (3); Likely benign (10). 4 of the submissions do not count toward it. Last evaluated 2026-09-01.

Conditions:
DICER1-related tumor predisposition. Also called: DICER1-related pleuropulmonary blastoma cancer predisposition syndrome; DICER1 syndrome. Identifiers: Orphanet 284343, MedGen C3839822, MONDO:0100216.
Hereditary cancer-predisposing syndrome. Also called: Neoplastic Syndromes, Hereditary; Tumor predisposition; Hereditary Cancer Syndrome; Hereditary neoplastic syndrome. Identifiers: Orphanet 140162, MedGen C0027672, MeSH D009386, MONDO:0015356.
Breast neoplasm. Also called: Breast tumor; Neoplasm of breast; Neoplasm of the breast; Breast Neoplasms. Identifiers: MedGen C1458155, MeSH D001943, MONDO:0021100, HP:0100013. Disease mechanism: gain of function.
Euthyroid goiter (MNG1). Also called: Goiter, multinodular 1, with or without Sertoli-Leydig cell tumors; GOITER, NONTOXIC, WITH INTRATHYROIDAL CALCIFICATION; MULTINODULAR GOITER, ADOLESCENT; SIMPLE GOITER. Identifiers: Orphanet 276399, MedGen C0302859, MONDO:0007681, OMIM 138800, HP:0009798.
Global developmental delay - lung cysts - overgrowth - Wilms tumor syndrome. Also called: GLOBAL DEVELOPMENTAL DELAY, LUNG CYSTS, OVERGROWTH, AND WILMS TUMOR; GLOW Syndrome. Identifiers: Orphanet 404476, MedGen C4748924, MONDO:0018445, OMIM 618272.
Pleuropulmonary blastoma (PPB). Identifiers: Orphanet 64742, MedGen C1266144, MONDO:0011014, OMIM 601200, HP:0100528.
Rhabdomyosarcoma, embryonal, 2 (RMSE2). Identifiers: MedGen C1867234, MONDO:0859046, OMIM 180295.
DICER1-related disorder. Also called: DICER1-related condition.

Allele frequency attached by ClinVar (database versions not stated): 1000 Genomes Project 30x 0.00016; 1000 Genomes Project 0.00020; TOPMed 0.00110; gnomAD 0.00123 and 0.00128; ESP Exome Variant Server 0.00146; gnomAD exomes 0.00165; ExAC 0.00219.
gnomAD v4.1: 4,155 of 1,614,238 alleles (0.26%); highest among the groups gnomAD compares: Non-Finnish European, 0.33%; 10 homozygotes.

Submissions (17):

CeGaT Center for Human Genetics Tuebingen
Classification: Likely benign. Last evaluated: 2026-09-01. Review status: criteria provided, single submitter. Criteria: CeGaT Center For Human Genetics Tuebingen Variant Classification Criteria Version 2. Collection method: clinical testing. Allele origin: germline. Affected: yes. Observed: 20 variant alleles.
Comment: DICER1: BP4, BS1

Myriad Genetics, Inc.
Classification: Likely benign for DICER1-related tumor predisposition. Last evaluated: 2026-04-14. Review status: criteria provided, single submitter. Criteria: Myriad Autosomal Dominant, Autosomal Recessive and X-Linked Classification Criteria (2023). Collection method: clinical testing. Allele origin: unknown.
Comment: This variant is considered likely benign. This variant has been observed at a population frequency that is significantly greater than expected given the associated disease prevalence and penetrance.

Labcorp Genetics (formerly Invitae), Labcorp
Classification: Benign for DICER1-related tumor predisposition. Last evaluated: 2026-02-04. Review status: criteria provided, single submitter. Criteria: Invitae Variant Classification Sherloc (09022015). Collection method: clinical testing. Allele origin: germline.

Quest Diagnostics Nichols Institute San Juan Capistrano
Classification: Benign. Last evaluated: 2025-08-19. Review status: criteria provided, single submitter. Criteria: Quest Diagnostics criteria. Collection method: clinical testing. Allele origin: unknown.

Center for Genomic Medicine, Rigshospitalet, Copenhagen University Hospital
Classification: Likely benign. Last evaluated: 2025-03-04. Review status: criteria provided, single submitter. Criteria: ACMG Guidelines, 2015. Collection method: clinical testing. Allele origin: germline.

Blueprint Genetics
Classification: Likely benign. Last evaluated: 2024-10-25. Review status: criteria provided, single submitter. Criteria: ACMG Guidelines, 2015. Collection method: clinical testing. Allele origin: germline.

ARUP Laboratories, Molecular Genetics and Genomics, ARUP Laboratories
Classification: Likely benign. Last evaluated: 2024-09-27. Review status: criteria provided, single submitter. Criteria: ARUP Molecular Germline Variant Investigation Process 2024. Collection method: clinical testing. Allele origin: germline.

Fulgent Genetics
Classification: Likely benign for Euthyroid goiter; Rhabdomyosarcoma, embryonal, 2; Pleuropulmonary blastoma; Global developmental delay - lung cysts - overgrowth - Wilms tumor syndrome. Last evaluated: 2022-04-03. Review status: criteria provided, single submitter. Criteria: ACMG Guidelines, 2015. Collection method: clinical testing. Allele origin: unknown.

GeneDx
Classification: Likely benign. Last evaluated: 2021-02-18. Review status: criteria provided, single submitter. Criteria: GeneDx Variant Classification Process June 2021. Collection method: clinical testing. Allele origin: germline. Affected: yes.
Comment: This variant is associated with the following publications: (PMID: 21266384, 27930734)

Sema4
Classification: Benign for Hereditary cancer-predisposing syndrome. Last evaluated: 2020-07-02. Review status: criteria provided, single submitter. Criteria: Sema4 Curation Guidelines. Collection method: curation. Allele origin: germline.

Institute of Human Genetics, University of Leipzig Medical Center
Classification: Likely benign for Neoplasm of the breast. Last evaluated: 2019-01-01. Review status: criteria provided, single submitter. Criteria: ACMG Guidelines, 2015. Collection method: clinical testing. Allele origin: unknown. Affected: yes.

Ambry Genetics
Classification: Likely benign for Hereditary cancer-predisposing syndrome. Last evaluated: 2018-11-08. Review status: criteria provided, single submitter. Criteria: Ambry Variant Classification Scheme 2023. Collection method: clinical testing. Allele origin: germline.

Illumina Laboratory Services, Illumina
Classification: Likely benign for Pleuropulmonary blastoma. Last evaluated: 2017-04-27. Review status: criteria provided, single submitter. Criteria: ICSL Variant Classification Criteria 13 December 2019. Collection method: clinical testing. Allele origin: germline.
Comment: This variant was observed as part of a predisposition screen in an ostensibly healthy population. A literature search was performed for the gene, cDNA change, and amino acid change (where applicable). No publications were found based on this search. Allele frequency data from public databases allowed determination this variant is unlikely to cause disease. Therefore, this variant is classified as likely benign.

PreventionGenetics, part of Exact Sciences
Classification: Likely benign for DICER1-related condition. Last evaluated: 2019-10-21. Review status: no assertion criteria provided. Collection method: clinical testing. Allele origin: germline. Not counted in ClinVar's aggregate classification.
Comment: This variant is classified as likely benign based on ACMG/AMP sequence variant interpretation guidelines (Richards et al. 2015 PMID: 25741868, with internal and published modifications).

Diagnostic Laboratory, Department of Genetics, University Medical Center Groningen
Classification: Likely benign. Review status: no assertion criteria provided. Collection method: clinical testing. Allele origin: germline. Affected: yes. Study: VKGL Data-share Consensus. Not counted in ClinVar's aggregate classification.

Genome Diagnostics Laboratory, Amsterdam University Medical Center
Classification: Likely benign. Review status: no assertion criteria provided. Collection method: clinical testing. Allele origin: germline. Affected: yes. Study: VKGL Data-share Consensus. Not counted in ClinVar's aggregate classification.

Genome Diagnostics Laboratory, University Medical Center Utrecht
Classification: Likely benign. Review status: no assertion criteria provided. Collection method: clinical testing. Allele origin: germline. Affected: yes. Study: VKGL Data-share Consensus. Not counted in ClinVar's aggregate classification.

Literature cited by the submitters: PubMed 36315513 (cited by Quest Diagnostics Nichols Institute San Juan Capistrano); PubMed 32714280 (cited by Quest Diagnostics Nichols Institute San Juan Capistrano).